The following is an entry in ClinVar:

NM_003072.5(SMARCA4):c.157G>A (p.Gly53Arg)

Gene: SMARCA4 (SWI/SNF related BAF chromatin remodeling complex subunit ATPase 4; plus strand). Cytogenetic location: 19p13.2.
Variant type: single nucleotide variant.
Coding change: c.157G>A on transcript NM_003072.5 (MANE Select); coding-DNA position 157, G replaced by A.
Protein change: p.Gly53Arg; replaces glycine 53 with arginine.
Molecular consequence: missense variant. On other transcripts: non-coding transcript variant (1).
Genome position (GRCh38, 1-based): chr19:10,984,308, G>A. VCF-style: chr19-10984308-G-A. GRCh37 (hg19) VCF-style: chr19-11094984-G-A.
Other names: c.157G>A, p.Gly53Arg (NM_001128844.3, NM_001128845.2, NM_001128846.2 and 6 more transcripts); short protein forms G53R.
Identifiers: ClinVar variation 4750959 (VCV004750959.1).

ClinVar aggregate classification (germline): Uncertain significance (1 of 4 stars; one submission).

Conditions:
Rhabdoid tumor predisposition syndrome 2 (RTPS2). Identifiers: Orphanet 231108, Orphanet 69077, MedGen C2750074, MONDO:0013224, OMIM 613325.

Submission:

Labcorp Genetics (formerly Invitae), Labcorp
Classification: Uncertain significance for Rhabdoid tumor predisposition syndrome 2. Last evaluated: 2025-06-24. Review status: criteria provided, single submitter. Criteria: Invitae Variant Classification Sherloc (09022015). Collection method: clinical testing. Allele origin: germline.
Comment: This sequence change replaces glycine, which is neutral and non-polar, with arginine, which is basic and polar, at codon 53 of the SMARCA4 protein (p.Gly53Arg). This variant is not present in population databases (gnomAD no frequency). This variant has not been reported in the literature in individuals affected with SMARCA4-related conditions. Invitae Evidence Modeling of protein sequence and biophysical properties (such as structural, functional, and spatial information, amino acid conservation, physicochemical variation, residue mobility, and thermodynamic stability) indicates that this missense variant is not expected to disrupt SMARCA4 protein function with a negative predictive value of 95%. In summary, the available evidence is currently insufficient to determine the role of this variant in disease. Therefore, it has been classified as a Variant of Uncertain Significance.